The following is an entry in ClinVar:

NM_000097.7(CPOX):c.1339C>T (p.Arg447Cys)

Gene: CPOX (coproporphyrinogen oxidase; minus strand). Cytogenetic location: 3q11.2.
Variant type: single nucleotide variant.
Coding change: c.1339C>T on transcript NM_000097.7 (MANE Select); coding-DNA position 1339, C replaced by T.
Protein change: p.Arg447Cys; replaces arginine 447 with cysteine.
Molecular consequence: missense variant.
Genome position (GRCh38, 1-based): chr3:98,580,709, G>A on the plus strand (C>T on the coding strand, the complement: CPOX is on the minus strand). VCF-style: chr3-98580709-G-A. GRCh37 (hg19) VCF-style: chr3-98299553-G-A.
Other names: c.1339C>T, p.Arg447Cys (LRG_1077t1); short protein forms R447C.
Identifiers: ClinVar variation 459 (VCV000000459.17), dbSNP rs28931603, ClinGen allele CA114301.
Genomic context (GRCh38, chr3:98,580,709, plus strand): 5'-CCCTCCAAACCCCTGCACAGCCATTCTGCCTGCATCAACGCACCCAGTCCCTTGGATGGC[G>A]TAGAACTTCCAGAATTTCAGCTTCTTTGGAATTCTCTGAGGGTGAATGCATGTACTCCCA-3'
Protein context (NP_000088.3, residues 437-454): SKEAEILEVL[Arg447Cys]HPRDWVR

ClinVar aggregate classification (germline): Conflicting classifications of pathogenicity. Review status: criteria provided, conflicting classifications (1 of 4 stars). 8 submissions from 8 submitters: Likely pathogenic (3); Uncertain significance (4). 1 of the submissions does not count toward it. Last evaluated 2026-06-01.

Conditions:
Harderoporphyria (HARPO). Identifiers: Orphanet 659672, MedGen C0342859, MONDO:0030048, OMIM 618892.
Hereditary coproporphyria (HCP). Also called: Porphyria hepatica coproporphyria; Porphyria hepatica II; CPRO deficiency; Hereditary coproporphyria porphyria; COPROPORPHYRINOGEN OXIDASE DEFICIENCY; CPO DEFICIENCY. Identifiers: Orphanet 79273, MedGen C0162531, MONDO:0007369, OMIM 121300.
Coproporphyria. Identifiers: MedGen C0342856.

Allele frequency attached by ClinVar (database versions not stated): 1000 Genomes Project 30x 0.00016; 1000 Genomes Project 0.00020; gnomAD 0.00023 and 0.00025; TOPMed 0.00029; gnomAD exomes 0.00033 and 0.00040; ExAC 0.00049.

Submissions (8):

CeGaT Center for Human Genetics Tuebingen
Classification: Likely pathogenic. Last evaluated: 2026-06-01. Review status: criteria provided, single submitter. Criteria: CeGaT Center For Human Genetics Tuebingen Variant Classification Criteria Version 2. Collection method: clinical testing. Allele origin: germline. Affected: yes. Observed: 1 variant allele.
Comment: CPOX: PS3:Moderate, PS4:Moderate, PM2:Supporting, PP4

Labcorp Genetics (formerly Invitae), Labcorp
Classification: Uncertain significance. Last evaluated: 2025-10-02. Review status: criteria provided, single submitter. Criteria: Invitae Variant Classification Sherloc (09022015). Collection method: clinical testing. Allele origin: germline.
Comment: This sequence change replaces arginine, which is basic and polar, with cysteine, which is neutral and slightly polar, at codon 447 of the CPOX protein (p.Arg447Cys). This variant is present in population databases (rs28931603, gnomAD 0.1%). This missense change has been observed in individual(s) with clinical features of coproporphyria (PMID: 11309681, 12181641, 27959697, 33763395). ClinVar contains an entry for this variant (Variation ID: 459). Invitae Evidence Modeling of protein sequence and biophysical properties (such as structural, functional, and spatial information, amino acid conservation, physicochemical variation, residue mobility, and thermodynamic stability) indicates that this missense variant is not expected to disrupt CPOX protein function with a negative predictive value of 80%. Experimental studies have shown that this missense change affects CPOX function (PMID: 11309681). Algorithms developed to predict the effect of sequence changes on RNA splicing suggest that this variant may disrupt the consensus splice site. In summary, the available evidence is currently insufficient to determine the role of this variant in disease. Therefore, it has been classified as a Variant of Uncertain Significance.

First Genomix Gene Laboratory, Genetic Diagnostics Department
Classification: Likely pathogenic for Hereditary coproporphyria; Harderoporphyria. Last evaluated: 2025-03-26. Review status: criteria provided, single submitter. Criteria: ACMG Guidelines, 2015. Collection method: clinical testing. Allele origin: germline. Inheritance: Autosomal recessive inheritance. Affected: no. Observed: 1 variant allele.

GeneDx
Classification: Likely pathogenic. Last evaluated: 2025-02-06. Review status: criteria provided, single submitter. Criteria: GeneDx Variant Classification Process June 2021. Collection method: clinical testing. Allele origin: germline. Affected: yes.
Comment: Identified in the heterozygous and homozygous state in individuals with clinical features of CPOX-related porphyria referred for genetic testing at GeneDx and in the published literature (PMID: 33763395, 27959697, 11309681; elik et al. (2024) Gazi Medical Journal. 35 :76); Reported with a second CPOX variant on the same allele (in cis) in affected individuals from three families with hereditary coproporphyria, as well as without a second CPOX variant in an unaffected individual from one of these families (PMID: 12181641); Published functional studies demonstrate significantly reduced CPOX enzyme activity (PMID: 11309681); In silico analysis supports that this missense variant has a deleterious effect on protein structure/function; This variant is associated with the following publications: (PMID: 11309681, 27959697, 34426522, 31589614, 33763395, Wangetal2023[article], 12181641, Celik2024[article], 39267094)

Mayo Clinic Laboratories, Mayo Clinic
Classification: Uncertain significance. Last evaluated: 2022-02-24. Review status: criteria provided, single submitter. Criteria: ACMG Guidelines, 2015. Collection method: clinical testing. Allele origin: germline. Observed: 2 variant alleles.
Comment: PP3, PS3

Genetics and Molecular Pathology, SA Pathology
Classification: Uncertain significance for Hereditary coproporphyria. Last evaluated: 2021-10-11. Review status: criteria provided, single submitter. Criteria: ACMG Guidelines, 2015. Collection method: clinical testing. Allele origin: germline. Inheritance: Autosomal dominant inheritance. Affected: yes.

Baylor Genetics
Classification: Uncertain significance for Hereditary coproporphyria. Review status: criteria provided, single submitter. Criteria: ACMG Guidelines, 2015. Collection method: clinical testing. Allele origin: unknown.

OMIM
Classification: Pathogenic for COPROPORPHYRIA. Last evaluated: 2002-01-01. Review status: no assertion criteria provided. Collection method: literature only. Allele origin: germline. Not counted in ClinVar's aggregate classification.

Literature cited by the submitters: PubMed 11309681 (cited by 3 submitters); PubMed 12181641 (cited by 3 submitters); PubMed 27959697 (cited by Labcorp Genetics (formerly Invitae), Labcorp and Mayo Clinic Laboratories, Mayo Clinic); PubMed 33763395 (cited by Labcorp Genetics (formerly Invitae), Labcorp and Mayo Clinic Laboratories, Mayo Clinic); PubMed 21231929 (cited by Mayo Clinic Laboratories, Mayo Clinic); PubMed 31589614 (cited by Mayo Clinic Laboratories, Mayo Clinic).